The following is an entry in ClinVar:

NM_000359.3(TGM1):c.2017G>A (p.Val673Ile)

Gene: TGM1 (transglutaminase 1; minus strand). Cytogenetic location: 14q12.
Variant type: single nucleotide variant.
Coding change: c.2017G>A on transcript NM_000359.3 (MANE Select); coding-DNA position 2017, G replaced by A.
Protein change: p.Val673Ile; replaces valine 673 with isoleucine.
Molecular consequence: missense variant.
Genome position (GRCh38, 1-based): chr14:24,254,735, C>T on the plus strand (G>A on the coding strand, the complement: TGM1 is on the minus strand). VCF-style: chr14-24254735-C-T. GRCh37 (hg19) VCF-style: chr14-24723941-C-T.
Other names: short protein forms V673I.
Identifiers: ClinVar variation 2157328 (VCV002157328.2), dbSNP rs748970601, ClinGen allele CA7130923.

ClinVar aggregate classification (germline): Uncertain significance (1 of 4 stars; one submission).

Allele frequency attached by ClinVar (database versions not stated): gnomAD exomes 0.00002; gnomAD 0.00003; TOPMed 0.00003; ExAC 0.00007.
gnomAD v4.1: 39 of 1,613,954 alleles (0.0024%); highest among the groups gnomAD compares: South Asian, 0.024%; no homozygotes.

Submission:

Labcorp Genetics (formerly Invitae), Labcorp
Classification: Uncertain significance. Last evaluated: 2025-07-21. Review status: criteria provided, single submitter. Criteria: Invitae Variant Classification Sherloc (09022015). Collection method: clinical testing. Allele origin: germline.
Comment: This sequence change replaces valine, which is neutral and non-polar, with isoleucine, which is neutral and non-polar, at codon 673 of the TGM1 protein (p.Val673Ile). This variant is present in population databases (rs748970601, gnomAD 0.02%). This variant has not been reported in the literature in individuals affected with TGM1-related conditions. ClinVar contains an entry for this variant (Variation ID: 2157328). Invitae Evidence Modeling of protein sequence and biophysical properties (such as structural, functional, and spatial information, amino acid conservation, physicochemical variation, residue mobility, and thermodynamic stability) has been performed for this missense variant. However, the output from this modeling did not meet the statistical confidence thresholds required to predict the impact of this variant on TGM1 protein function. In summary, the available evidence is currently insufficient to determine the role of this variant in disease. Therefore, it has been classified as a Variant of Uncertain Significance.